The following is an entry in ClinVar:

ClinVar aggregate classification (germline): Uncertain significance (1 of 4 stars; one submission).

Conditions:
Tuberous sclerosis 2 (TSC2). Identifiers: Orphanet 805, MedGen C1860707, MONDO:0013199, OMIM 613254.

Submission:

Labcorp Genetics (formerly Invitae), Labcorp
Classification: Uncertain significance for Tuberous sclerosis 2. Last evaluated: 2021-03-17. Review status: criteria provided, single submitter. Criteria: Invitae Variant Classification Sherloc (09022015). Collection method: clinical testing. Allele origin: germline.
Comment: This variant is not present in population databases (ExAC no frequency). In summary, the available evidence is currently insufficient to determine the role of this variant in disease. Therefore, it has been classified as a Variant of Uncertain Significance. Advanced modeling of protein sequence and biophysical properties (such as structural, functional, and spatial information, amino acid conservation, physicochemical variation, residue mobility, and thermodynamic stability) performed at Invitae indicates that this missense variant is not expected to disrupt TSC2 protein function. This variant has not been reported in the literature in individuals with TSC2-related conditions. This sequence change replaces proline with threonine at codon 816 of the TSC2 protein (p.Pro816Thr). The proline residue is highly conserved and there is a small physicochemical difference between proline and threonine.

NM_000548.5(TSC2):c.2446C>A (p.Pro816Thr)

Gene: TSC2 (TSC complex subunit 2; plus strand). Cytogenetic location: 16p13.3.
Variant type: single nucleotide variant.
Coding change: c.2446C>A on transcript NM_000548.5 (MANE Select); coding-DNA position 2446, C replaced by A.
Protein change: p.Pro816Thr; replaces proline 816 with threonine.
Molecular consequence: missense variant.
Genome position (GRCh38, 1-based): chr16:2,074,290, C>A. VCF-style: chr16-2074290-C-A. GRCh37 (hg19) VCF-style: chr16-2124291-C-A.
Other names: c.2446C>A, p.Pro816Thr (NM_001077183.3, NM_001114382.3, NM_001363528.2 and 3 more transcripts); c.2335C>A, p.Pro779Thr (NM_001318827.2); c.2299C>A, p.Pro767Thr (NM_001318829.2); c.1846C>A, p.Pro616Thr (NM_001318831.2); c.2479C>A, p.Pro827Thr (NM_001318832.2); short protein forms P827T, P767T, P816T, P616T, P779T.
Identifiers: ClinVar variation 1517242 (VCV001517242.8), dbSNP rs760265207, ClinGen allele CA394277435.
Genomic context (GRCh38, chr16:2,074,290, plus strand): 5'-CTCATCCACCGCTGTGCCAGCCAGTGCGTCGTGGCCTTGTCCATCTGCAGCGTGGAGATG[C>A]CTGACATCATCATCAAGGCGCTGCCTGTTCTGGTGGTGAAGCTCACGCACATCTCAGCCA-3'
Protein context (NP_000539.2, residues 806-826): VALSICSVEM[Pro816Thr]DIIIKALPVL